The following is an entry in ClinVar:

NM_006254.4(PRKCD):c.531C>G (p.Asp177Glu)

Gene: PRKCD (protein kinase C delta; plus strand). Cytogenetic location: 3p21.1.
Variant type: single nucleotide variant.
Coding change: c.531C>G on transcript NM_006254.4 (MANE Select); coding-DNA position 531, C replaced by G.
Protein change: p.Asp177Glu; replaces aspartic acid 177 with glutamic acid.
Molecular consequence: missense variant.
Genome position (GRCh38, 1-based): chr3:53,181,598, C>G. VCF-style: chr3-53181598-C-G. GRCh37 (hg19) VCF-style: chr3-53215614-C-G.
Other names: c.579C>G, p.Asp193Glu (NM_001354678.2); c.531C>G, p.Asp177Glu (NM_001354679.2, NM_001354680.2, NM_212539.2 and 1 more transcripts); c.588C>G, p.Asp196Glu (NM_001354676.2); short protein forms D196E, D193E, D177E.
Identifiers: ClinVar variation 1038655 (VCV001038655.3), dbSNP rs1240610213, ClinGen allele CA353234506.

ClinVar aggregate classification (germline): Uncertain significance (1 of 4 stars; one submission).

Conditions:
Autoimmune lymphoproliferative syndrome, type III caused by mutation in PRKCD. Identifiers: Orphanet 3261, Orphanet 664711, MedGen C3809928, MONDO:8000024, OMIM 615559.

Allele frequency attached by ClinVar (database versions not stated): gnomAD 0.00001; TOPMed 0.00002.

Submission:

Labcorp Genetics (formerly Invitae), Labcorp
Classification: Uncertain significance for Autoimmune lymphoproliferative syndrome, type III caused by mutation in PRKCD. Last evaluated: 2022-02-08. Review status: criteria provided, single submitter. Criteria: Invitae Variant Classification Sherloc (09022015). Collection method: clinical testing. Allele origin: germline.
Comment: ClinVar contains an entry for this variant (Variation ID: 1038655). In summary, the available evidence is currently insufficient to determine the role of this variant in disease. Therefore, it has been classified as a Variant of Uncertain Significance. Algorithms developed to predict the effect of missense changes on protein structure and function output the following: SIFT: "Tolerated"; PolyPhen-2: "Benign"; Align-GVGD: "Class C0". The glutamic acid amino acid residue is found in multiple mammalian species, which suggests that this missense change does not adversely affect protein function. This variant has not been reported in the literature in individuals affected with PRKCD-related conditions. This variant is present in population databases (no rsID available, gnomAD 0.003%). This sequence change replaces aspartic acid, which is acidic and polar, with glutamic acid, which is acidic and polar, at codon 177 of the PRKCD protein (p.Asp177Glu).